The following is an entry in ClinVar:

NM_007294.4(BRCA1):c.2065A>G (p.Ser689Gly)

Gene: BRCA1 (BRCA1 DNA repair associated; minus strand). Cytogenetic location: 17q21.31.
Variant type: single nucleotide variant.
Coding change: c.2065A>G on transcript NM_007294.4 (MANE Select); coding-DNA position 2065, A replaced by G.
Protein change: p.Ser689Gly; replaces serine 689 with glycine.
Molecular consequence: missense variant. On other transcripts: intron variant (137).
Genome position (GRCh38, 1-based): chr17:43,093,466, T>C on the plus strand (A>G on the coding strand, the complement: BRCA1 is on the minus strand). VCF-style: chr17-43093466-T-C. GRCh37 (hg19) VCF-style: chr17-41245483-T-C.
Other names: c.1852A>G, p.Ser618Gly (NM_001407571.1, NM_001407853.1, NM_001407894.1 and 9 more transcripts); c.2065A>G, p.Ser689Gly (NM_001407581.1, NM_001407582.1, NM_001407583.1 and 30 more transcripts); c.2062A>G, p.Ser688Gly (NM_001407587.1, NM_001407590.1, NM_001407591.1 and 22 more transcripts); c.2056A>G, p.Ser686Gly (NM_001407646.1, NM_001407647.1); c.1942A>G, p.Ser648Gly (NM_001407648.1, NM_001407664.1, NM_001407665.1 and 19 more transcripts); c.1984A>G, p.Ser662Gly (NM_001407661.1, NM_001407662.1, NM_001407659.1 and 1 more transcripts); c.1987A>G, p.Ser663Gly (NM_001407663.1, NM_001407653.1, NM_001407654.1 and 4 more transcripts); c.1939A>G, p.Ser647Gly (NM_001407685.1, NM_001407686.1, NM_001407687.1 and 11 more transcripts); and 40 more; short protein forms S689G, S642G, S561G, S562G, S601G, S621G, S647G, S648G.
Identifiers: ClinVar variation 233092 (VCV000233092.21), dbSNP rs876660188, ClinGen allele CA10580637.

ClinVar aggregate classification (germline): Conflicting classifications of pathogenicity. Review status: criteria provided, conflicting classifications (1 of 4 stars). 6 submissions from 6 submitters: Uncertain significance (5); Likely benign (1). Last evaluated 2025-06-09.

Conditions:
Hereditary cancer-predisposing syndrome. Also called: Tumor predisposition; Hereditary Cancer Syndrome; Neoplastic Syndromes, Hereditary; Hereditary neoplastic syndrome. Identifiers: Orphanet 140162, MedGen C0027672, MeSH D009386, MONDO:0015356.
Hereditary breast ovarian cancer syndrome. Also called: Breast and ovarian cancer; Hereditary breast and ovarian cancer; Hereditary breast and ovarian cancer syndrome; Hereditary breast and/or ovarian cancer syndrome; BRCA1- and BRCA2-Associated Hereditary Breast and Ovarian Cancer; Hereditary breast and ovarian cancer syndrome (HBOC). Identifiers: Orphanet 145, MedGen C0677776, MeSH D061325, MONDO:0003582. Disease mechanism: loss of function.
Breast-ovarian cancer, familial, susceptibility to, 1 (BROVCA1). Also called: BRCA1 Hereditary Breast and Ovarian Cancer; OVARIAN CANCER, SUSCEPTIBILITY TO. Identifiers: Orphanet 145, MedGen C2676676, MONDO:0011450, OMIM 604370. Disease mechanism: loss of function.

Allele frequency attached by ClinVar (database versions not stated): gnomAD exomes below 0.00001; TOPMed below 0.00001.
gnomAD v4.1: 2 of 1,614,118 alleles (0.00012%); highest among the groups gnomAD compares: Non-Finnish European, 0.00017%; no homozygotes.

Submissions (6):

Labcorp Genetics (formerly Invitae), Labcorp
Classification: Uncertain significance for Hereditary breast ovarian cancer syndrome. Last evaluated: 2025-06-09. Review status: criteria provided, single submitter. Criteria: Invitae Variant Classification Sherloc (09022015). Collection method: clinical testing. Allele origin: germline.
Comment: This sequence change replaces serine, which is neutral and polar, with glycine, which is neutral and non-polar, at codon 689 of the BRCA1 protein (p.Ser689Gly). This variant is not present in population databases (gnomAD no frequency). This variant has not been reported in the literature in individuals affected with BRCA1-related conditions. ClinVar contains an entry for this variant (Variation ID: 233092). Invitae Evidence Modeling of protein sequence and biophysical properties (such as structural, functional, and spatial information, amino acid conservation, physicochemical variation, residue mobility, and thermodynamic stability) indicates that this missense variant is not expected to disrupt BRCA1 protein function with a negative predictive value of 80%. In summary, the available evidence is currently insufficient to determine the role of this variant in disease. Therefore, it has been classified as a Variant of Uncertain Significance.

All of Us Research Program, National Institutes of Health
Classification: Uncertain significance for Breast-ovarian cancer, familial, susceptibility to, 1. Last evaluated: 2023-05-04. Review status: criteria provided, single submitter. Criteria: ACMG Guidelines, 2015. Collection method: clinical testing. Allele origin: germline. Inheritance: Autosomal dominant inheritance. Observed: 1 variant allele, 1 heterozygote.
Comment: This missense variant replaces serine with glycine at codon 689 of the BRCA1 protein. Computational prediction suggests that this variant may not impact protein structure and function (internally defined REVEL score threshold <= 0.5, PMID: 27666373). To our knowledge, functional studies have not been reported for this variant. This variant has been detected in a breast cancer case-control meta-analysis in 0/60466 cases and 1/53461 unaffected individuals (PMID: 33471991; Leiden Open Variation Database DB-ID BRCA1_006465). This variant has not been identified in the general population by the Genome Aggregation Database (gnomAD). The available evidence is insufficient to determine the role of this variant in disease conclusively. Therefore, this variant is classified as a Variant of Uncertain Significance.

This study involves interpretation of variants in research participants for the purpose of population health screening. Participant phenotype was not available at the time of variant classification. Additional details can be found in publication PMID: 35346344, PMCID: PMC8962531

University of Washington Department of Laboratory Medicine, University of Washington
Classification: Likely benign for Hereditary cancer-predisposing syndrome. Last evaluated: 2023-03-23. Review status: criteria provided, single submitter. Criteria: Dines et al. (Genet Med. 2020). Collection method: curation. Allele origin: germline.
Comment: Missense variant in a coldspot region where missense variants are very unlikely to be pathogenic (PMID:31911673).

BRCA1 coldspot (exon 11 using historical exon numbering). Reclassification based on statistical prior probability

Ambry Genetics
Classification: Uncertain significance for Hereditary cancer-predisposing syndrome. Last evaluated: 2023-03-22. Review status: criteria provided, single submitter. Criteria: Ambry Variant Classification Scheme 2023. Collection method: clinical testing. Allele origin: germline.
Comment: The p.S689G variant (also known as c.2065A>G), located in coding exon 9 of the BRCA1 gene, results from an A to G substitution at nucleotide position 2065. The serine at codon 689 is replaced by glycine, an amino acid with similar properties. This amino acid position is poorly conserved in available vertebrate species. In addition, this alteration is predicted to be tolerated by in silico analysis. Since supporting evidence is limited at this time, the clinical significance of this alteration remains unclear.

Women's Health and Genetics/Laboratory Corporation of America, LabCorp
Classification: Uncertain significance. Last evaluated: 2019-06-06. Review status: criteria provided, single submitter. Criteria: LabCorp Variant Classification Summary - May 2015. Collection method: clinical testing. Allele origin: germline.
Comment: Variant summary: BRCA1 c.2065A>G (p.Ser689Gly) results in a non-conservative amino acid change in the encoded protein sequence. Four of five in-silico tools predict a benign effect of the variant on protein function. The variant was absent in 251204 control chromosomes. The available data on variant occurrences in the general population are insufficient to allow any conclusion about variant significance. To our knowledge, no occurrence of c.2065A>G in individuals affected with Hereditary Breast and Ovarian Cancer and no experimental evidence demonstrating its impact on protein function have been reported. Two clinical diagnostic laboratories have submitted clinical-significance assessments for this variant to ClinVar after 2014 without evidence for independent evaluation and classified the variant as uncertain significance. Based on the evidence outlined above, the variant was classified as uncertain significance.

GeneDx
Classification: Uncertain significance. Last evaluated: 2016-05-12. Review status: criteria provided, single submitter. Criteria: GeneDx Variant Classification (06012015). Collection method: clinical testing. Allele origin: germline. Affected: yes.
Comment: This variant is denoted BRCA1 c.2065A>G at the cDNA level, p.Ser689Gly (S689G) at the protein level, and results in the change of a Serine to a Glycine (AGT>GGT). Using alternate nomenclature, this variant would be defined as BRCA1 2184A>G. This variant has not, to our knowledge, been published in the literature as pathogenic or benign. BRCA1 Ser689Gly was not observed in approximately 6,500 individuals of European and African American ancestry in the NHLBI Exome Sequencing Project, suggesting it is not a common benign variant in these populations. Since Serine and Glycine differ in polarity, charge, size or other properties, this is considered a non-conservative amino acid substitution. BRCA1 Ser689Gly occurs at a position that is not conserved and is located in the DNA binding domain and a region known to interact with multiple proteins (Narod 2004, Paul 2014). In silico analyses predict that this variant is unlikely to alter protein structure or function. Based on currently available evidence, it is unclear whether BRCA1 Ser689Gly is a pathogenic or benign variant. We consider it to be a variant of uncertain significance.

Literature cited by the submitters: PubMed 33471991 (cited by All of Us Research Program, National Institutes of Health).